The following is an entry in ClinVar:

NM_032043.3(BRIP1):c.1548A>G (p.Val516=)

Gene: BRIP1 (BRCA1 interacting DNA helicase 1; minus strand). Cytogenetic location: 17q23.2.
Variant type: single nucleotide variant.
Coding change: c.1548A>G on transcript NM_032043.3 (MANE Select); coding-DNA position 1548, A replaced by G.
Protein change: p.Val516=; no amino-acid change (valine 516 retained).
Molecular consequence: synonymous variant.
Genome position (GRCh38, 1-based): chr17:61,784,350, T>C on the plus strand (A>G on the coding strand, the complement: BRIP1 is on the minus strand). VCF-style: chr17-61784350-T-C. GRCh37 (hg19) VCF-style: chr17-59861711-T-C.
Identifiers: ClinVar variation 3378441 (VCV003378441.1).

ClinVar aggregate classification (germline): Benign (1 of 4 stars; one submission).

Conditions:
Familial cancer of breast. Also called: hereditary breast carcinoma; Hereditary breast cancer; BREAST CANCER, FAMILIAL. Identifiers: Orphanet 227535, MedGen C0346153, MONDO:0016419, OMIM 114480. Disease mechanism: loss of function.

Submission:

Myriad Genetics, Inc.
Classification: Benign for Familial cancer of breast. Last evaluated: 2024-08-28. Review status: criteria provided, single submitter. Criteria: Myriad Autosomal Dominant, Autosomal Recessive and X-Linked Classification Criteria (2023). Collection method: clinical testing. Allele origin: unknown.
Comment: This variant is considered benign. This variant is a silent/synonymous amino acid change and it is not expected to impact splicing.